The following is an entry in ClinVar:

ClinVar aggregate classification (germline): Pathogenic (1 of 4 stars; one submission).

Conditions:
Dilated cardiomyopathy 1G (CMD1G). Identifiers: Orphanet 154, MedGen C1858763, MONDO:0011400, OMIM 604145.
Hypertrophic cardiomyopathy 9. Also called: Familial hypertrophic cardiomyopathy 9. Identifiers: MedGen C1861065, MONDO:0013412, OMIM 613765.
Early-onset myopathy with fatal cardiomyopathy (CMYO5). Also called: Salih Myopathy; CONGENITAL MYOPATHY 5 WITH CARDIOMYOPATHY. Identifiers: Orphanet 289377, MedGen C2673677, MONDO:0012714, OMIM 611705. Disease mechanism: loss of function.
Tibial muscular dystrophy (TMD). Also called: Tibial muscular dystrophy, tardive; Udd Distal Myopathy – Tibial Muscular Dystrophy; UDD MYOPATHY. Identifiers: Orphanet 609, MedGen C1838244, MONDO:0010870, OMIM 600334.
Autosomal recessive limb-girdle muscular dystrophy type 2J (LGMDR10). Also called: MUSCULAR DYSTROPHY, LIMB-GIRDLE, AUTOSOMAL RECESSIVE 10; Limb-girdle muscular dystrophy, type 2J. Identifiers: Orphanet 140922, MedGen C1837342, MONDO:0012127, OMIM 608807.
Myopathy, myofibrillar, 9, with early respiratory failure (MFM9). Also called: EDSTROM MYOPATHY; Myopathy, distal, with early respiratory failure, autosomal dominant; Hereditary myopathy with early respiratory failure; MYOPATHY, PROXIMAL, WITH EARLY RESPIRATORY MUSCLE INVOLVEMENT. Identifiers: Orphanet 178464, Orphanet 34521, MedGen C1863599, MONDO:0011362, OMIM 603689.

Submission:

Juno Genomics, Hangzhou Juno Genomics, Inc
Classification: Pathogenic for Early-onset myopathy with fatal cardiomyopathy; Dilated cardiomyopathy 1G; Hypertrophic cardiomyopathy 9; Autosomal recessive limb-girdle muscular dystrophy type 2J; Myopathy, myofibrillar, 9, with early respiratory failure; Tibial muscular dystrophy. Review status: criteria provided, single submitter. Criteria: ACMG Guidelines, 2015. Collection method: clinical testing. Allele origin: germline.
Comment: Absent from controls (or at extremely low frequency if recessive) in Genome Aggregation Database.;Null variant in a gene where loss of function (LOF) is a known mechanism of disease.;For recessive disorders, detected in trans with a pathogenic variant.;Co-segregation with disease in multiple affected family members.

NM_001267550.2(TTN):c.98603del (p.Phe32868fs)

Genes: TTN (titin; minus strand), TTN-AS1 (TTN antisense RNA 1; plus strand). Cytogenetic location: 2q31.2.
Variant type: Deletion.
Coding change: c.98603del on transcript NM_001267550.2 (MANE Select); coding-DNA position 98603, one base deleted (T; older notation c.98603delT).
Protein change: p.Phe32868fs; shifts the reading frame from phenylalanine 32868.
Molecular consequence: frameshift variant. On other transcripts: non-coding transcript variant (1).
Genome position (GRCh38, 1-based): chr2:178,539,462, A deleted on the plus strand (T on the coding strand, the reverse complement: TTN is on the minus strand); the first of 3 consecutive A bases (chr2:178,539,462-178,539,464); deleting any one gives the same sequence. VCF-style (leftmost placement, unchanged base first): chr2-178539461-GA-G. GRCh37 (hg19) VCF-style: chr2-179404188-GA-G.
Other names: c.93680del, p.Phe31227fs (NM_001256850.1); c.71408del, p.Phe23803fs (NM_003319.4); c.90899del, p.Phe30300fs (NM_133378.4); c.71783del, p.Phe23928fs (NM_133432.3); c.71984del, p.Phe23995fs (NM_133437.4); short protein forms F30300fs, F31227fs, F32868fs, F23803fs, F23928fs, F23995fs.
Identifiers: ClinVar variation 3381978 (VCV003381978.3).
Genomic context (GRCh38, chr2:178,539,461, plus strand): 5'-GACTGGTTCCTCAGATTTCAAGGGTTTGCTTATGCCAAACTGGTTTTCTGCTGAAACACG[GA>G]AATGGTATTCTACATTCTCTTTGAGGCCTTTTACCACCAGAGATGTACCTCGGACTCTGG-3'